The following is an entry in ClinVar:

NM_001365276.2(TNXB):c.4345G>C (p.Val1449Leu)

Gene: TNXB (tenascin XB; minus strand). Cytogenetic location: 6p21.33.
Variant type: single nucleotide variant.
Coding change: c.4345G>C on transcript NM_001365276.2 (MANE Select); coding-DNA position 4345, G replaced by C.
Protein change: p.Val1449Leu; replaces valine 1449 with leucine.
Molecular consequence: missense variant.
Genome position (GRCh38, 1-based): chr6:32,079,063, C>G on the plus strand (G>C on the coding strand, the complement: TNXB is on the minus strand). VCF-style: chr6-32079063-C-G. GRCh37 (hg19) VCF-style: chr6-32046840-C-G.
Other names: c.4345G>C, p.Val1449Leu (NM_019105.8); short protein forms V1449L.
Identifiers: ClinVar variation 1739884 (VCV001739884.2), dbSNP rs773445960, ClinGen allele CA363427744.

ClinVar aggregate classification (germline): Uncertain significance (1 of 4 stars; one submission).

Conditions:
Cardiovascular phenotype. Identifiers: MedGen CN230736.

Allele frequency attached by ClinVar (database versions not stated): TOPMed 0.00001; gnomAD 0.00002.
gnomAD v4.1: 7 of 1,612,942 alleles (0.00043%); highest among the groups gnomAD compares: African/African-American, 0.008%; no homozygotes.

Submission:

Ambry Genetics
Classification: Uncertain significance for Cardiovascular phenotype. Last evaluated: 2021-12-18. Review status: criteria provided, single submitter. Criteria: Ambry Variant Classification Scheme 2023. Collection method: clinical testing. Allele origin: germline.
Comment: The p.V1449L variant (also known as c.4345G>C), located in coding exon 10 of the TNXB gene, results from a G to C substitution at nucleotide position 4345. The valine at codon 1449 is replaced by leucine, an amino acid with highly similar properties. This amino acid position is conserved. In addition, this alteration is predicted to be tolerated by in silico analysis. Since supporting evidence is limited at this time, the clinical significance of this alteration remains unclear.